The following is an entry in ClinVar:

NM_006517.5(SLC16A2):c.23G>A (p.Ser8Asn)

Gene: SLC16A2 (solute carrier family 16 member 2; plus strand). Cytogenetic location: Xq13.2.
Variant type: single nucleotide variant.
Coding change: c.23G>A on transcript NM_006517.5 (MANE Select); coding-DNA position 23, G replaced by A.
Protein change: p.Ser8Asn; replaces serine 8 with asparagine.
Molecular consequence: missense variant.
Genome position (GRCh38, 1-based): chrX:74,421,660, G>A. VCF-style: chrX-74421660-G-A. GRCh37 (hg19) VCF-style: chrX-73641495-G-A.
Other names: short protein forms S8N.
Identifiers: ClinVar variation 1575047 (VCV001575047.11), dbSNP rs746783950, ClinGen allele CA10454356.

ClinVar aggregate classification (germline): Benign/Likely benign. Review status: criteria provided, multiple submitters, no conflicts (2 of 4 stars). 4 submissions from 4 submitters: Benign (3); Likely benign (1). Last evaluated 2026-09-01.

Conditions:
Spastic paraplegia. Identifiers: MedGen C0037772, HP:0001258.
Inborn genetic diseases. Identifiers: MedGen C0950123, MeSH D030342.

Allele frequency attached by ClinVar (database versions not stated): gnomAD 0.00009 and 0.00010; gnomAD exomes 0.00025 and 0.00055; TOPMed 0.00026; ExAC 0.00056.
gnomAD v4.1: 116 of 1,202,475 alleles (0.0096%); highest among the groups gnomAD compares: Admixed American, 0.26%; no homozygotes.

Submissions (4):

CeGaT Center for Human Genetics Tuebingen
Classification: Likely benign. Last evaluated: 2026-09-01. Review status: criteria provided, single submitter. Criteria: CeGaT Center For Human Genetics Tuebingen Variant Classification Criteria Version 2. Collection method: clinical testing. Allele origin: germline. Affected: yes. Observed: 1 variant allele.
Comment: SLC16A2: BS2

Labcorp Genetics (formerly Invitae), Labcorp
Classification: Benign for Spastic paraplegia. Last evaluated: 2026-01-26. Review status: criteria provided, single submitter. Criteria: Invitae Variant Classification Sherloc (09022015). Collection method: clinical testing. Allele origin: germline.

Women's Health and Genetics/Laboratory Corporation of America, LabCorp
Classification: Benign. Last evaluated: 2022-06-24. Review status: criteria provided, single submitter. Criteria: LabCorp Variant Classification Summary - May 2015. Collection method: clinical testing. Allele origin: germline.
Comment: Variant summary: SLC16A2 c.23G>A (p.Ser8Asn) results in a conservative amino acid change in the encoded protein sequence. Five of five in-silico tools predict a benign effect of the variant on protein function. The variant allele was found at a frequency of 0.0005 in 183091 control chromosomes (gnomAD), predominantly at a frequency of 0.0034 within the Latino subpopulation in the gnomAD database, including 28 hemizygotes. The observed variant frequency within Latino control individuals in the gnomAD database is approximately 3 fold of the estimated maximal expected allele frequency for a pathogenic variant in SLC16A2 causing Allan-Herndon-Dudley Syndrome (0.0011), strongly suggesting that the variant is a benign polymorphism found primarily in populations of Latino origin. To our knowledge, no occurrence of c.23G>A in individuals affected with Allan-Herndon-Dudley Syndrome and no experimental evidence demonstrating its impact on protein function have been reported. One ClinVar submitter has assessed the variant since 2014: the variant was classified as benign. Based on the evidence outlined above, the variant was classified as benign.

Ambry Genetics
Classification: Benign for Inborn genetic diseases. Last evaluated: 2017-08-14. Review status: criteria provided, single submitter. Criteria: Ambry Variant Classification Scheme 2023. Collection method: clinical testing. Allele origin: germline.